The following is an entry in ClinVar:

ClinVar aggregate classification (germline): Uncertain significance. Review status: criteria provided, multiple submitters, no conflicts (2 of 4 stars). 3 submissions from 3 submitters: Uncertain significance (3). Last evaluated 2025-07-31.

Conditions:
Lynch syndrome. Identifiers: Orphanet 144, MedGen C4552100, MONDO:0005835. Disease mechanism: loss of function.
Hereditary nonpolyposis colorectal neoplasms. Identifiers: MedGen C0009405, MeSH D003123.
Hereditary cancer-predisposing syndrome. Also called: Neoplastic Syndromes, Hereditary; Hereditary Cancer Syndrome; Tumor predisposition; Hereditary neoplastic syndrome. Identifiers: Orphanet 140162, MedGen C0027672, MeSH D009386, MONDO:0015356.

Submissions (3):

Labcorp Genetics (formerly Invitae), Labcorp
Classification: Uncertain significance for Hereditary nonpolyposis colorectal neoplasms. Last evaluated: 2025-07-31. Review status: criteria provided, single submitter. Criteria: Invitae Variant Classification Sherloc (09022015). Collection method: clinical testing. Allele origin: germline.
Comment: This sequence change replaces aspartic acid, which is acidic and polar, with histidine, which is basic and polar, at codon 391 of the PMS2 protein (p.Asp391His). This variant is not present in population databases (gnomAD no frequency). This variant has not been reported in the literature in individuals affected with PMS2-related conditions. ClinVar contains an entry for this variant (Variation ID: 584682). Invitae Evidence Modeling incorporating data from in vitro experimental studies (internal data) indicates that this missense variant is not expected to disrupt PMS2 function with a negative predictive value of 95%. In summary, the available evidence is currently insufficient to determine the role of this variant in disease. Therefore, it has been classified as a Variant of Uncertain Significance.

Color Diagnostics, LLC DBA Color Health
Classification: Uncertain significance for Hereditary cancer-predisposing syndrome. Last evaluated: 2021-03-03. Review status: criteria provided, single submitter. Criteria: ACMG Guidelines, 2015. Collection method: clinical testing. Allele origin: germline.
Comment: This missense variant replaces aspartic acid with histidine at codon 391 of the PMS2 protein. Computational prediction suggests that this variant may not impact protein structure and function (internally defined REVEL score threshold <= 0.5, PMID: 27666373). To our knowledge, functional studies have not been reported for this variant. This variant has not been reported in individuals affected with hereditary cancer in the literature. This variant has not been identified in the general population by the Genome Aggregation Database (gnomAD). The available evidence is insufficient to determine the role of this variant in disease conclusively. Therefore, this variant is classified as a Variant of Uncertain Significance.

Mendelics
Classification: Uncertain significance for Lynch syndrome. Last evaluated: 2018-07-02. Review status: criteria provided, single submitter. Criteria: Mendelics Assertion Criteria 2017. Collection method: clinical testing. Allele origin: unknown.

NM_000535.7(PMS2):c.1171G>C (p.Asp391His)

Gene: PMS2 (PMS1 homolog 2, mismatch repair system component; minus strand). Cytogenetic location: 7p22.1.
Variant type: single nucleotide variant.
Coding change: c.1171G>C on transcript NM_000535.7 (MANE Select); coding-DNA position 1171, G replaced by C.
Protein change: p.Asp391His; replaces aspartic acid 391 with histidine.
Molecular consequence: missense variant. On other transcripts: non-coding transcript variant (1).
Genome position (GRCh38, 1-based): chr7:5,987,594, C>G on the plus strand (G>C on the coding strand, the complement: PMS2 is on the minus strand). VCF-style: chr7-5987594-C-G. GRCh37 (hg19) VCF-style: chr7-6027225-C-G.
Other names: c.766G>C, p.Asp256His (NM_001322003.2, NM_001322004.2, NM_001322005.2 and 1 more transcripts); c.1015G>C, p.Asp339His (NM_001322006.2); c.853G>C, p.Asp285His (NM_001322007.2, NM_001322008.2); c.610G>C, p.Asp204His (NM_001322010.2); c.238G>C, p.Asp80His (NM_001322011.2, NM_001322012.2); c.598G>C, p.Asp200His (NM_001322013.2); c.1171G>C, p.Asp391His (NM_001322014.2); c.862G>C, p.Asp288His (NM_001322015.2); short protein forms D391H, D204H, D288H, D80H, D285H, D339H, D200H, D256H.
Identifiers: ClinVar variation 584682 (VCV000584682.13), dbSNP rs1064795020, ClinGen allele CA366742648.